The following is an entry in ClinVar:

ClinVar aggregate classification (germline): Uncertain significance (1 of 4 stars; one submission).

Conditions:
ADNP-related multiple congenital anomalies - intellectual disability - autism spectrum disorder. Also called: ADNP-Related Helsmoortel-Van der Aa Syndrome; Helsmoortel-Van der Aa Syndrome. Identifiers: Orphanet 404448, MedGen C4014538, MONDO:0014379, OMIM 615873. Disease mechanism: loss of function.

Submission:

Juno Genomics, Hangzhou Juno Genomics, Inc
Classification: Uncertain significance for ADNP-related multiple congenital anomalies - intellectual disability - autism spectrum disorder. Review status: criteria provided, single submitter. Criteria: ACMG Guidelines, 2015. Collection method: clinical testing. Allele origin: germline.
Comment: Null variant in a gene where loss of function (LOF) is a known mechanism of disease.;Absent from controls (or at extremely low frequency if recessive) in Genome Aggregation Database.

NM_001282531.3(ADNP):c.1042A>T (p.Arg348Ter)

Gene: ADNP (activity dependent neuroprotector homeobox; minus strand). Cytogenetic location: 20q13.13.
Variant type: single nucleotide variant.
Coding change: c.1042A>T on transcript NM_001282531.3 (MANE Select); coding-DNA position 1042, A replaced by T.
Protein change: p.Arg348Ter; replaces arginine 348 with a stop codon.
Molecular consequence: nonsense.
Genome position (GRCh38, 1-based): chr20:50,893,672, T>A on the plus strand (A>T on the coding strand, the complement: ADNP is on the minus strand). VCF-style: chr20-50893672-T-A. GRCh37 (hg19) VCF-style: chr20-49510209-T-A.
Other names: c.1042A>T, p.Arg348Ter (NM_001282532.2, NM_001347511.2, NM_015339.5 and 1 more transcripts); c.1258A>T, p.Arg420Ter (NM_001439000.1); c.358A>T, p.Arg120Ter (NM_001439001.1); short protein forms R348*, R420*, R120*.
Identifiers: ClinVar variation 5006389 (VCV005006389.2).